The following is an entry in ClinVar:

ClinVar aggregate classification (germline): Conflicting classifications of pathogenicity. Review status: criteria provided, conflicting classifications (1 of 4 stars). 9 submissions from 9 submitters: Uncertain significance (7); Likely benign (2). Last evaluated 2026-01-27.

Conditions:
Hereditary cancer. Identifiers: MedGen C1333600.
Familial adenomatous polyposis 1 (FAP1). Also called: FAMILIAL ADENOMATOUS POLYPOSIS 1, ATTENUATED; POLYPOSIS, ADENOMATOUS INTESTINAL. Identifiers: MedGen C2713442, MONDO:0021056, OMIM 175100. Disease mechanism: loss of function.
Hereditary cancer-predisposing syndrome. Also called: Tumor predisposition; Hereditary Cancer Syndrome; Hereditary neoplastic syndrome; Neoplastic Syndromes, Hereditary. Identifiers: Orphanet 140162, MedGen C0027672, MeSH D009386, MONDO:0015356.
Classic or attenuated familial adenomatous polyposis. Identifiers: MedGen CN372698, MONDO:0021057.

Allele frequency attached by ClinVar (database versions not stated): gnomAD 0.00002 and 0.00003; gnomAD exomes 0.00002 and 0.00004; TOPMed 0.00002; ExAC 0.00006; 1000 Genomes Project 0.00020; 1000 Genomes Project 30x 0.00031.
gnomAD v4.1: 15 of 1,613,990 alleles (0.00093%); highest among the groups gnomAD compares: Admixed American, 0.02%; no homozygotes.

Submissions (9):

Labcorp Genetics (formerly Invitae), Labcorp
Classification: Uncertain significance for Familial adenomatous polyposis 1. Last evaluated: 2026-01-27. Review status: criteria provided, single submitter. Criteria: Invitae Variant Classification Sherloc (09022015). Collection method: clinical testing. Allele origin: germline.
Comment: This sequence change replaces lysine, which is basic and polar, with glutamic acid, which is acidic and polar, at codon 1770 of the APC protein (p.Lys1770Glu). This variant is present in population databases (rs551183536, gnomAD 0.01%). This variant has not been reported in the literature in individuals affected with APC-related conditions. ClinVar contains an entry for this variant (Variation ID: 411356). Invitae Evidence Modeling of protein sequence and biophysical properties (such as structural, functional, and spatial information, amino acid conservation, physicochemical variation, residue mobility, and thermodynamic stability) indicates that this missense variant is not expected to disrupt APC protein function with a negative predictive value of 95%. In summary, the available evidence is currently insufficient to determine the role of this variant in disease. Therefore, it has been classified as a Variant of Uncertain Significance.

Color Diagnostics, LLC DBA Color Health
Classification: Uncertain significance for Hereditary cancer-predisposing syndrome. Last evaluated: 2025-07-08. Review status: criteria provided, single submitter. Criteria: ACMG Guidelines, 2015. Collection method: clinical testing. Allele origin: germline.
Comment: This missense variant replaces lysine with glutamic acid at codon 1770 of the APC protein. Computational prediction suggests that this variant may not impact protein structure and function. To our knowledge, functional studies have not been reported for this variant. This variant has not been reported in individuals affected with APC-related disorders in the literature. This variant has been identified in 9/250670 chromosomes in the general population by the Genome Aggregation Database (gnomAD). The available evidence is insufficient to determine the role of this variant in disease conclusively. Therefore, this variant is classified as a Variant of Uncertain Significance.

Women's Health and Genetics/Laboratory Corporation of America, LabCorp
Classification: Uncertain significance. Last evaluated: 2025-05-05. Review status: criteria provided, single submitter. Criteria: LabCorp Variant Classification Summary - May 2015. Collection method: clinical testing. Allele origin: germline.

Quest Diagnostics Nichols Institute San Juan Capistrano
Classification: Uncertain significance. Last evaluated: 2025-03-01. Review status: criteria provided, single submitter. Criteria: Quest Diagnostics criteria. Collection method: clinical testing. Allele origin: unknown.
Comment: The APC c.5308A>G (p.Lys1770Glu) variant has not been reported in the published literature. The frequency of this variant in the general population (Genome Aggregation Database) is higher than would generally be expected for pathogenic variants in this gene. Analysis of this variant using a bioinformatics tool for the prediction of the effect of amino acid changes on protein structure and function yielded a prediction that this variant is benign. Based on the available information, we are unable to determine the clinical significance of this variant.

Mendelics
Classification: Likely benign for Hereditary cancer. Last evaluated: 2024-01-23. Review status: criteria provided, single submitter. Criteria: ACMG Guidelines, 2015. Collection method: clinical testing. Allele origin: unknown.

Baylor Genetics
Classification: Uncertain significance for Familial adenomatous polyposis 1. Last evaluated: 2023-11-09. Review status: criteria provided, single submitter. Criteria: ACMG Guidelines, 2015. Collection method: clinical testing. Allele origin: unknown.

All of Us Research Program, National Institutes of Health
Classification: Uncertain significance for Classic or attenuated familial adenomatous polyposis. Last evaluated: 2023-10-30. Review status: criteria provided, single submitter. Criteria: ACMG Guidelines, 2015. Collection method: clinical testing. Allele origin: germline. Inheritance: Autosomal dominant inheritance. Observed: 1 variant allele, 1 heterozygote.
Comment: This missense variant replaces lysine with glutamic acid at codon 1770 of the APC protein. Computational prediction is inconclusive regarding the impact of this variant on protein structure and function (internally defined REVEL score threshold 0.5 < inconclusive < 0.7, PMID: 27666373). Splice site prediction tools suggest that this variant may not impact RNA splicing. To our knowledge, functional studies have not been reported for this variant. This variant has not been reported in individuals affected with hereditary cancer in the literature. This variant has been identified in 9/250670 chromosomes in the general population by the Genome Aggregation Database (gnomAD). The available evidence is insufficient to determine the role of this variant in disease conclusively. Therefore, this variant is classified as a Variant of Uncertain Significance.

This study involves interpretation of variants in research participants for the purpose of population health screening. Participant phenotype was not available at the time of variant classification. Additional details can be found in publication PMID: 35346344, PMCID: PMC8962531

Ambry Genetics
Classification: Likely benign for Hereditary cancer-predisposing syndrome. Last evaluated: 2022-07-25. Review status: criteria provided, single submitter. Criteria: Ambry Variant Classification Scheme 2023. Collection method: clinical testing. Allele origin: germline.

GeneDx
Classification: Uncertain significance. Last evaluated: 2022-01-11. Review status: criteria provided, single submitter. Criteria: GeneDx Variant Classification Process June 2021. Collection method: clinical testing. Allele origin: germline. Affected: yes.
Comment: In silico analysis supports that this missense variant does not alter protein structure/function; Has not been previously published as pathogenic or benign to our knowledge; This variant is associated with the following publications: (PMID: 18199528)

NM_000038.6(APC):c.5308A>G (p.Lys1770Glu)

Gene: APC (APC regulator of Wnt signaling pathway; plus strand). Cytogenetic location: 5q22.2.
Variant type: single nucleotide variant.
Coding change: c.5308A>G on transcript NM_000038.6 (MANE Select); coding-DNA position 5308, A replaced by G.
Protein change: p.Lys1770Glu; replaces lysine 1770 with glutamic acid.
Molecular consequence: missense variant.
Genome position (GRCh38, 1-based): chr5:112,840,902, A>G. VCF-style: chr5-112840902-A-G. GRCh37 (hg19) VCF-style: chr5-112176599-A-G.
Other names: c.5308A>G, p.Lys1770Glu (NM_001127510.3, NM_001354895.2); c.5254A>G, p.Lys1752Glu (NM_001127511.3); c.5362A>G, p.Lys1788Glu (NM_001354896.2); c.5338A>G, p.Lys1780Glu (NM_001354897.2); c.5233A>G, p.Lys1745Glu (NM_001354898.2); c.5224A>G, p.Lys1742Glu (NM_001354899.2); c.5185A>G, p.Lys1729Glu (NM_001354900.2); c.5131A>G, p.Lys1711Glu (NM_001354901.2); and 5 more; short protein forms K1752E, K1770E, K1711E, K1745E, K1788E, K1487E, K1610E, K1644E.
Identifiers: ClinVar variation 411356 (VCV000411356.28), dbSNP rs551183536, ClinGen allele CA041323.